The following is an entry in ClinVar:

NM_005477.3(HCN4):c.2216A>G (p.Asn739Ser)

Gene: HCN4 (hyperpolarization activated cyclic nucleotide gated potassium channel 4; minus strand). Cytogenetic location: 15q24.1.
Variant type: single nucleotide variant.
Coding change: c.2216A>G on transcript NM_005477.3 (MANE Select); coding-DNA position 2216, A replaced by G.
Protein change: p.Asn739Ser; replaces asparagine 739 with serine.
Molecular consequence: missense variant.
Genome position (GRCh38, 1-based): chr15:73,323,877, T>C on the plus strand (A>G on the coding strand, the complement: HCN4 is on the minus strand). VCF-style: chr15-73323877-T-C. GRCh37 (hg19) VCF-style: chr15-73616218-T-C.
Other names: short protein forms N739S.
Identifiers: ClinVar variation 1045267 (VCV001045267.8), dbSNP rs2042881779, ClinGen allele CA393089384.

ClinVar aggregate classification (germline): Uncertain significance (1 of 4 stars; one submission).

Conditions:
Brugada syndrome 8 (BRGDA8). Identifiers: Orphanet 130, MedGen C2751083, MONDO:0013148, OMIM 613123.

Submission:

Labcorp Genetics (formerly Invitae), Labcorp
Classification: Uncertain significance for Brugada syndrome 8. Last evaluated: 2020-10-07. Review status: criteria provided, single submitter. Criteria: Invitae Variant Classification Sherloc (09022015). Collection method: clinical testing. Allele origin: germline.
Comment: Algorithms developed to predict the effect of sequence changes on RNA splicing suggest that this variant may create or strengthen a splice site, but this prediction has not been confirmed by published transcriptional studies. In summary, the available evidence is currently insufficient to determine the role of this variant in disease. Therefore, it has been classified as a Variant of Uncertain Significance. Advanced modeling of protein sequence and biophysical properties (such as structural, functional, and spatial information, amino acid conservation, physicochemical variation, residue mobility, and thermodynamic stability) performed at Invitae indicates that this missense variant is not expected to disrupt HCN4 protein function. This variant has not been reported in the literature in individuals with HCN4-related conditions. This variant is not present in population databases (ExAC no frequency). This sequence change replaces asparagine with serine at codon 739 of the HCN4 protein (p.Asn739Ser). The asparagine residue is highly conserved and there is a small physicochemical difference between asparagine and serine.